The following is an entry in ClinVar:

NM_032043.3(BRIP1):c.1707G>A (p.Gly569=)

Gene: BRIP1 (BRCA1 interacting DNA helicase 1; minus strand). Cytogenetic location: 17q23.2.
Variant type: single nucleotide variant.
Coding change: c.1707G>A on transcript NM_032043.3 (MANE Select); coding-DNA position 1707, G replaced by A.
Protein change: p.Gly569=; no amino-acid change (glycine 569 retained).
Molecular consequence: synonymous variant.
Genome position (GRCh38, 1-based): chr17:61,780,927, C>T on the plus strand (G>A on the coding strand, the complement: BRIP1 is on the minus strand). VCF-style: chr17-61780927-C-T. GRCh37 (hg19) VCF-style: chr17-59858288-C-T.
Identifiers: ClinVar variation 241629 (VCV000241629.17), dbSNP rs878855141, ClinGen allele CA10583630.

ClinVar aggregate classification (germline): Benign/Likely benign. Review status: criteria provided, multiple submitters, no conflicts (2 of 4 stars). 4 submissions from 4 submitters: Benign (1); Likely benign (3). Last evaluated 2025-06-24.

Conditions:
Hereditary cancer-predisposing syndrome. Also called: Neoplastic Syndromes, Hereditary; Tumor predisposition; Hereditary neoplastic syndrome; Hereditary Cancer Syndrome. Identifiers: Orphanet 140162, MedGen C0027672, MeSH D009386, MONDO:0015356.
Familial cancer of breast. Also called: BREAST CANCER, FAMILIAL; Hereditary breast cancer; hereditary breast carcinoma. Identifiers: Orphanet 227535, MedGen C0346153, MONDO:0016419, OMIM 114480. Disease mechanism: loss of function.
Fanconi anemia complementation group J. Also called: BRIP1-Related Fanconi Anemia. Identifiers: Orphanet 84, MedGen C1836860, MONDO:0012187, OMIM 609054.

Submissions (4):

Labcorp Genetics (formerly Invitae), Labcorp
Classification: Likely benign for Familial cancer of breast; Fanconi anemia complementation group J. Last evaluated: 2025-06-24. Review status: criteria provided, single submitter. Criteria: Invitae Variant Classification Sherloc (09022015). Collection method: clinical testing. Allele origin: germline.

Myriad Genetics, Inc.
Classification: Benign for Familial cancer of breast. Last evaluated: 2024-08-29. Review status: criteria provided, single submitter. Criteria: Myriad Autosomal Dominant, Autosomal Recessive and X-Linked Classification Criteria (2023). Collection method: clinical testing. Allele origin: unknown.
Comment: This variant is considered benign. This variant is a silent/synonymous amino acid change and it is not expected to impact splicing.

Color Diagnostics, LLC DBA Color Health
Classification: Likely benign for Hereditary cancer-predisposing syndrome. Last evaluated: 2024-06-17. Review status: criteria provided, single submitter. Criteria: ACMG Guidelines, 2015. Collection method: clinical testing. Allele origin: germline.

Ambry Genetics
Classification: Likely benign for Hereditary cancer-predisposing syndrome. Last evaluated: 2021-03-24. Review status: criteria provided, single submitter. Criteria: Ambry Variant Classification Scheme 2023. Collection method: clinical testing. Allele origin: germline.